The following is an entry in ClinVar:

ClinVar aggregate classification (germline): Likely benign (1 of 4 stars; one submission).

Allele frequency attached by ClinVar (database versions not stated): 1000 Genomes Project 0.00180; 1000 Genomes Project 30x 0.00219; gnomAD 0.00304 and 0.00321; TOPMed 0.00332.
gnomAD v4.1: 677 of 1,043,746 alleles (0.065%); highest among the groups gnomAD compares: African/African-American, 0.96%; 2 homozygotes.

Submission:

GeneDx
Classification: Likely benign. Last evaluated: 2022-01-17. Review status: criteria provided, single submitter. Criteria: GeneDx Variant Classification Process June 2021. Collection method: clinical testing. Allele origin: germline. Affected: yes.
Comment: See Variant Classification Assertion Criteria.

NM_005592.4(MUSK):c.358+132T>C

Gene: MUSK (muscle associated receptor tyrosine kinase; plus strand). Cytogenetic location: 9q31.3.
Variant type: single nucleotide variant.
Coding change: c.358+132T>C on transcript NM_005592.4 (MANE Select); 132 bases into the intron after coding-DNA position 358, T replaced by C.
Molecular consequence: intron variant.
Genome position (GRCh38, 1-based): chr9:110,687,400, T>C. VCF-style: chr9-110687400-T-C. GRCh37 (hg19) VCF-style: chr9-113449680-T-C.
Other names: c.358+132T>C (NM_001166280.2, NM_001166281.2).
Identifiers: ClinVar variation 1699742 (VCV001699742.2), dbSNP rs371438251, ClinGen allele CA198337358.